The following is an entry in ClinVar:

ClinVar aggregate classification (germline): Benign. Review status: reviewed by expert panel (3 of 4 stars). 30 submissions from 29 submitters: Benign (1). 29 of the submissions do not count toward it. Last evaluated 2015-08-10.

Conditions:
BRCA1-related disorder. Also called: BRCA1-related condition.
Pancreatic cancer, susceptibility to, 4. Identifiers: Orphanet 1333, MedGen C3280442, MONDO:0013685, OMIM 614320.
Familial cancer of breast. Also called: BREAST CANCER, FAMILIAL; Hereditary breast cancer; hereditary breast carcinoma. Identifiers: Orphanet 227535, MedGen C0346153, MONDO:0016419, OMIM 114480. Disease mechanism: loss of function.
Breast-ovarian cancer, familial, susceptibility to, 1 (BROVCA1). Also called: OVARIAN CANCER, SUSCEPTIBILITY TO; BRCA1 Hereditary Breast and Ovarian Cancer. Identifiers: Orphanet 145, MedGen C2676676, MONDO:0011450, OMIM 604370. Disease mechanism: loss of function.
Fanconi anemia, complementation group S (FANCS). Identifiers: MedGen C4554406, MONDO:0054748, OMIM 617883.
BRCA1-related cancer predisposition. Identifiers: MedGen CN377757, MONDO:0700268.
Breast and/or ovarian cancer. Identifiers: MedGen CN221562.
Hereditary cancer-predisposing syndrome. Also called: Neoplastic Syndromes, Hereditary; Tumor predisposition; Hereditary Cancer Syndrome; Hereditary neoplastic syndrome. Identifiers: Orphanet 140162, MedGen C0027672, MeSH D009386, MONDO:0015356.
Hereditary breast ovarian cancer syndrome. Also called: Hereditary breast and ovarian cancer; Breast and ovarian cancer; Hereditary breast and/or ovarian cancer syndrome; Hereditary breast and ovarian cancer syndrome (HBOC); Hereditary breast and ovarian cancer syndrome; BRCA1- and BRCA2-Associated Hereditary Breast and Ovarian Cancer. Identifiers: Orphanet 145, MedGen C0677776, MeSH D061325, MONDO:0003582. Disease mechanism: loss of function.
Malignant tumor of breast. Also called: Malignant breast neoplasm; Cancer breast. Identifiers: MedGen C0006142, MONDO:0007254. Disease mechanism: loss of function.

Allele frequency attached by ClinVar (database versions not stated): ESP Exome Variant Server 0.00008; ExAC 0.00017; gnomAD exomes 0.00023; TOPMed 0.00026.

Submissions 1 to 17 of 30:

Evidence-based Network for the Interpretation of Germline Mutant Alleles (ENIGMA)
Classification: Benign for Breast-ovarian cancer, familial 1. Last evaluated: 2015-08-10. Review status: reviewed by expert panel. Criteria: ENIGMA BRCA1/2 Classification Criteria (2015). Collection method: curation. Allele origin: germline.
Comment: IARC class based on posterior probability from multifactorial likelihood analysis, thresholds for class as per Plon et al. 2008 (PMID: 18951446). Class 1 based on posterior probability = 0.000891

CeGaT Center for Human Genetics Tuebingen
Classification: Benign. Last evaluated: 2026-06-01. Review status: criteria provided, single submitter. Criteria: CeGaT Center For Human Genetics Tuebingen Variant Classification Criteria Version 2. Collection method: clinical testing. Allele origin: germline. Affected: yes. Observed: 6 variant alleles. Not counted in ClinVar's aggregate classification.
Comment: BRCA1: BP1, BS3:Moderate, BS4

Labcorp Genetics (formerly Invitae), Labcorp
Classification: Benign for Hereditary breast ovarian cancer syndrome. Last evaluated: 2026-02-03. Review status: criteria provided, single submitter. Criteria: Invitae Variant Classification Sherloc (09022015). Collection method: clinical testing. Allele origin: germline. Not counted in ClinVar's aggregate classification.

Center for Genomic Medicine, Rigshospitalet, Copenhagen University Hospital
Classification: Benign. Last evaluated: 2025-03-04. Review status: criteria provided, single submitter. Criteria: ACMG Guidelines, 2015. Collection method: clinical testing. Allele origin: germline. Not counted in ClinVar's aggregate classification.

ARUP Laboratories, Molecular Genetics and Genomics, ARUP Laboratories
Classification: Benign. Last evaluated: 2025-02-18. Review status: criteria provided, single submitter. Criteria: ARUP Molecular Germline Variant Investigation Process 2024. Collection method: clinical testing. Allele origin: germline. Not counted in ClinVar's aggregate classification.

Laboratory of Genetics, Children's Clinical University Hospital Latvia
Classification: Benign. Last evaluated: 2025-02-16. Review status: criteria provided, single submitter. Criteria: ACMG Guidelines, 2015. Collection method: clinical testing. Allele origin: germline. Affected: yes. Not counted in ClinVar's aggregate classification.

All of Us Research Program, National Institutes of Health
Classification: Likely benign for BRCA1-related cancer predisposition. Last evaluated: 2024-09-23. Review status: criteria provided, single submitter. Criteria: ACMG Guidelines, 2015. Collection method: clinical testing. Allele origin: germline. Inheritance: Autosomal dominant inheritance. Observed: 117 variant alleles, 117 heterozygotes. Not counted in ClinVar's aggregate classification.
Comment: This study involves interpretation of variants in research participants for the purpose of population health screening. Participant phenotype was not available at the time of variant classification. Additional details can be found in publication PMID: 35346344, PMCID: PMC8962531

Institute for Biomarker Research, Medical Diagnostic Laboratories, L.L.C.
Classification: Benign for Hereditary breast ovarian cancer syndrome. Last evaluated: 2024-09-16. Review status: criteria provided, single submitter. Criteria: ACMG Guidelines, 2015. Collection method: clinical testing. Allele origin: germline. Not counted in ClinVar's aggregate classification.
Comment: The missense variant NM_007294.4(BRCA1):c.1486C>T (p.Arg496Cys) has been reported to ClinVar as Benign with a status of (3 stars) reviewed by expert panel (Variation ID 37416 as of 2024-08-01).The p.Arg496Cys missense variant is predicted to be tolerated by both SIFT or PolyPhen2. The cysteine residue at codon 496 of BRCA1 is present in Bushbaby and 6 other mammalian species. The nucleotide c.1486 in BRCA1 is not conserved according to a GERP++ and PhyloP analysis of 100 vertebrates. For these reasons, this variant has been classified as Benign.

Blueprint Genetics
Classification: Likely benign. Last evaluated: 2024-08-29. Review status: criteria provided, single submitter. Criteria: ACMG Guidelines, 2015. Collection method: clinical testing. Allele origin: germline. Not counted in ClinVar's aggregate classification.

Fulgent Genetics
Classification: Likely benign for Familial cancer of breast; Breast-ovarian cancer, familial, susceptibility to, 1; Pancreatic cancer, susceptibility to, 4; Fanconi anemia, complementation group S. Last evaluated: 2021-11-10. Review status: criteria provided, single submitter. Criteria: ACMG Guidelines, 2015. Collection method: clinical testing. Allele origin: unknown. Not counted in ClinVar's aggregate classification.

CHEO Genetics Diagnostic Laboratory, Children's Hospital of Eastern Ontario
Classification: Likely benign for Breast and/or ovarian cancer. Last evaluated: 2021-07-01. Review status: criteria provided, single submitter. Criteria: ACMG Guidelines, 2015. Collection method: clinical testing. Allele origin: germline. Study: Canadian Open Genetics Repository. Not counted in ClinVar's aggregate classification.

Sema4
Classification: Likely benign for Hereditary cancer-predisposing syndrome. Last evaluated: 2021-05-17. Review status: criteria provided, single submitter. Criteria: Sema4 Curation Guidelines. Collection method: curation. Allele origin: germline. Not counted in ClinVar's aggregate classification.

Mendelics
Classification: Likely benign for Breast-ovarian cancer, familial, susceptibility to, 1. Last evaluated: 2019-05-28. Review status: criteria provided, single submitter. Criteria: Mendelics Assertion Criteria 2017. Collection method: clinical testing. Allele origin: unknown. Not counted in ClinVar's aggregate classification.

Institute for Biomarker Research, Medical Diagnostic Laboratories, L.L.C.
Classification: Likely benign for Hereditary cancer-predisposing syndrome. Last evaluated: 2018-05-23. Review status: criteria provided, single submitter. Criteria: ACMG Guidelines, 2015. Collection method: clinical testing. Allele origin: germline. Not counted in ClinVar's aggregate classification.

Laboratory for Molecular Medicine, Mass General Brigham Personalized Medicine
Classification: Likely benign. Last evaluated: 2017-02-03. Review status: criteria provided, single submitter. Criteria: LMM Criteria. Collection method: clinical testing. Allele origin: germline. Not counted in ClinVar's aggregate classification.
Comment: Variant identified in a genome or exome case(s) and assessed due to predicted null impact of the variant or pathogenic assertions in the literature or databases. Disclaimer: This variant has not undergone full assessment. The following are preliminary notes: Classified in ClinVar with 3 stars as Benign by ENIGMA (expert panel), Invitae, GeneDx, Ambry and as VUS by CSER and BIC. It has a max MAF of 0.026% in ExAC (3 Latino alleles). The AA is not conserved and only mammals have this region, 6 of which have a Cys at this position.

Genetic Services Laboratory, University of Chicago
Classification: Likely benign. Last evaluated: 2016-08-02. Review status: criteria provided, single submitter. Criteria: ACMG Guidelines, 2015. Collection method: clinical testing. Allele origin: germline. Affected: no. Not counted in ClinVar's aggregate classification.

GeneDx
Classification: Benign. Last evaluated: 2015-07-28. Review status: criteria provided, single submitter. Criteria: GeneDx Variant Classification (06012015). Collection method: clinical testing. Allele origin: germline. Affected: yes. Not counted in ClinVar's aggregate classification.
Comment: This variant is considered likely benign or benign based on one or more of the following criteria: it is a conservative change, it occurs at a poorly conserved position in the protein, it is predicted to be benign by multiple in silico algorithms, and/or has population frequency not consistent with disease.

NM_007294.4(BRCA1):c.1486C>T (p.Arg496Cys)

Gene: BRCA1 (BRCA1 DNA repair associated; minus strand). Cytogenetic location: 17q21.31.
Variant type: single nucleotide variant.
Coding change: c.1486C>T on transcript NM_007294.4 (MANE Select); coding-DNA position 1486, C replaced by T.
Protein change: p.Arg496Cys; replaces arginine 496 with cysteine.
Molecular consequence: missense variant. On other transcripts: intron variant (137).
Genome position (GRCh38, 1-based): chr17:43,094,045, G>A on the plus strand (C>T on the coding strand, the complement: BRCA1 is on the minus strand). VCF-style: chr17-43094045-G-A. GRCh37 (hg19) VCF-style: chr17-41246062-G-A.
Other names: p.R496C:CGT>TGT; 1605C>T; c.784+699C>T (NM_001407992.1, NM_001408400.1, NM_001408392.1 and 13 more transcripts); c.664+699C>T (NM_001408440.1, NM_001408428.1, NM_001408441.1 and 12 more transcripts); c.670+1801C>T (NM_001408418.1, NM_001408423.1, NM_001408420.1 and 2 more transcripts); c.787+699C>T (NM_001407981.1, NM_007298.4, NM_001407978.1 and 19 more transcripts); c.643+699C>T (NM_001408462.1, NM_001408470.1, NM_001408464.1 and 3 more transcripts); c.709+699C>T (NM_001408414.1, NM_001408411.1, NM_001408415.1 and 2 more transcripts); and 42 more; short protein forms R496C, R449C, R200C, R454C, R384C, R407C, R455C, R493C.
Identifiers: ClinVar variation 37416 (VCV000037416.78), dbSNP rs28897676, ClinGen allele CA000996.